The following is an entry in ClinVar:

ClinVar aggregate classification (germline): Benign/Likely benign. Review status: criteria provided, multiple submitters, no conflicts (2 of 4 stars). 2 submissions from 2 submitters: Benign (1); Likely benign (1). Last evaluated 2025-09-29.

Conditions:
MYCN-related disorder. Also called: MYCN-related condition.

gnomAD v4.1: 81 of 1,067,398 alleles (0.0076%); highest among the groups gnomAD compares: African/African-American, 0.12%; no homozygotes.

Submissions (2):

Labcorp Genetics (formerly Invitae), Labcorp
Classification: Benign. Last evaluated: 2025-09-29. Review status: criteria provided, single submitter. Criteria: Invitae Variant Classification Sherloc (09022015). Collection method: clinical testing. Allele origin: germline.

PreventionGenetics, part of Exact Sciences
Classification: Likely benign for MYCN-related condition. Last evaluated: 2025-04-11. Review status: criteria provided, single submitter. Criteria: ACMG Guidelines, 2015. Collection method: clinical testing. Allele origin: germline.
Comment: This variant is classified as likely benign based on ACMG/AMP sequence variant interpretation guidelines (Richards et al. 2015 PMID: 25741868, with internal and published modifications).

NM_005378.6(MYCN):c.519C>A (p.Ala173=)

Gene: MYCN (MYCN proto-oncogene, bHLH transcription factor; plus strand). Cytogenetic location: 2p24.3.
Variant type: single nucleotide variant.
Coding change: c.519C>A on transcript NM_005378.6 (MANE Select); coding-DNA position 519, C replaced by A.
Protein change: p.Ala173=; no amino-acid change (alanine 173 retained).
Molecular consequence: synonymous variant. On other transcripts: 3 prime UTR variant (1), intron variant (1).
Genome position (GRCh38, 1-based): chr2:15,942,583, C>A. VCF-style: chr2-15942583-C-A. GRCh37 (hg19) VCF-style: chr2-16082705-C-A.
Other names: c.519C>A (NM_005378.5); c.519C>A, p.Ala173= (NM_001293228.2); c.*454C>A (NM_001293233.2); c.157+1840C>A (NM_001293231.2).
Identifiers: ClinVar variation 3711773 (VCV003711773.3).